The following is an entry in ClinVar:

ClinVar aggregate classification (germline): Uncertain significance (1 of 4 stars; one submission).

Conditions:
Long QT syndrome (LQTS). Identifiers: MedGen C0023976, MeSH D008133, MONDO:0002442. Disease mechanism: loss of function. Inheritance: Various modes of inheritance.

Submission:

Labcorp Genetics (formerly Invitae), Labcorp
Classification: Uncertain significance for Long QT syndrome. Last evaluated: 2022-07-29. Review status: criteria provided, single submitter. Criteria: Invitae Variant Classification Sherloc (09022015). Collection method: clinical testing. Allele origin: germline.
Comment: This sequence change replaces glutamic acid, which is acidic and polar, with lysine, which is basic and polar, at codon 231 of the KCNJ5 protein (p.Glu231Lys). This variant is not present in population databases (gnomAD no frequency). This variant has not been reported in the literature in individuals affected with KCNJ5-related conditions. Advanced modeling of protein sequence and biophysical properties (such as structural, functional, and spatial information, amino acid conservation, physicochemical variation, residue mobility, and thermodynamic stability) performed at Invitae indicates that this missense variant is expected to disrupt KCNJ5 protein function. In summary, the available evidence is currently insufficient to determine the role of this variant in disease. Therefore, it has been classified as a Variant of Uncertain Significance.

NM_000890.5(KCNJ5):c.691G>A (p.Glu231Lys)

Gene: KCNJ5 (potassium inwardly rectifying channel subfamily J member 5; plus strand). Cytogenetic location: 11q24.3.
Variant type: single nucleotide variant.
Coding change: c.691G>A on transcript NM_000890.5 (MANE Select); coding-DNA position 691, G replaced by A.
Protein change: p.Glu231Lys; replaces glutamic acid 231 with lysine.
Molecular consequence: missense variant.
Genome position (GRCh38, 1-based): chr11:128,911,964, G>A. VCF-style: chr11-128911964-G-A. GRCh37 (hg19) VCF-style: chr11-128781859-G-A.
Other names: c.691G>A, p.Glu231Lys (NM_001354169.2); short protein forms E231K.
Identifiers: ClinVar variation 1714075 (VCV001714075.5), dbSNP rs751503904, ClinGen allele CA383249685.